The following is an entry in ClinVar:

ClinVar aggregate classification (germline): Uncertain significance (1 of 4 stars; one submission).

Conditions:
Neuropathy, hereditary motor and sensory, type 6B (HMSN6B). Also called: Neuropathy, hereditary motor and sensory, type VIB; HMSN VIB; CHARCOT-MARIE-TOOTH DISEASE, TYPE 6B; NEUROPATHY, HEREDITARY MOTOR AND SENSORY, TYPE VIB, WITH OPTIC ATROPHY. Identifiers: MedGen C4225302, MONDO:0014671, OMIM 616505.

Submission:

Labcorp Genetics (formerly Invitae), Labcorp
Classification: Uncertain significance for Neuropathy, hereditary motor and sensory, type 6B. Last evaluated: 2022-07-11. Review status: criteria provided, single submitter. Criteria: Invitae Variant Classification Sherloc (09022015). Collection method: clinical testing. Allele origin: germline.
Comment: In summary, the available evidence is currently insufficient to determine the role of this variant in disease. Therefore, it has been classified as a Variant of Uncertain Significance. This variant has not been reported in the literature in individuals affected with SLC25A46-related conditions. This variant results in a copy number gain of the genomic region encompassing exon(s) 8 of the SLC25A46 gene. This region includes the termination codon of the gene. This copy number gain extends beyond the assayed region for this gene and therefore may encompass additional genes. As the precise location of this event is unknown, it may be in tandem or it may be located elsewhere in the genome.

NC_000005.9:g.(?_110096884)_(110097482_?)dup

Gene: SLC25A46 (solute carrier family 25 member 46; plus strand). Cytogenetic location: 5q22.1.
Variant type: Duplication.
Identifiers: ClinVar variation 2427268 (VCV002427268.6).